The following is an entry in ClinVar:

ClinVar aggregate classification (germline): Benign/Likely benign. Review status: criteria provided, multiple submitters, no conflicts (2 of 4 stars). 7 submissions from 7 submitters: Benign (1); Likely benign (6). Last evaluated 2026-08-19.

Conditions:
Familial cancer of breast. Also called: hereditary breast carcinoma; Hereditary breast cancer; BREAST CANCER, FAMILIAL. Identifiers: Orphanet 227535, MedGen C0346153, MONDO:0016419, OMIM 114480. Disease mechanism: loss of function.
ATM-related disorder. Also called: ATM-related disorders; ATM-related condition.
Ataxia-telangiectasia syndrome (AT). Also called: Ataxia-telangiectasia, complementation group D; Ataxia-telangiectasia, complementation group E; LOUIS-BAR SYNDROME; Ataxia telangiectasia (A-T); Cerebello-oculocutaneous telangiectasia; Immunodeficiency with ataxia telangiectasia. Identifiers: Orphanet 100, MedGen C0004135, MONDO:0008840, OMIM 208900.
Hereditary cancer-predisposing syndrome. Also called: Hereditary neoplastic syndrome; Hereditary Cancer Syndrome; Neoplastic Syndromes, Hereditary; Tumor predisposition. Identifiers: Orphanet 140162, MedGen C0027672, MeSH D009386, MONDO:0015356.

Allele frequency attached by ClinVar (database versions not stated): gnomAD exomes below 0.00001.
gnomAD v4.1: 1 of 1,613,936 alleles (0.000062%); highest among the groups gnomAD compares: Admixed American, 0.0017%; no homozygotes.

Submissions (7):

PreventionGenetics, part of Exact Sciences
Classification: Likely benign for ATM-related condition. Last evaluated: 2026-08-19. Review status: criteria provided, single submitter. Criteria: ACMG Guidelines, 2015. Collection method: clinical testing. Allele origin: germline.
Comment: This variant is classified as likely benign based on ACMG/AMP sequence variant interpretation guidelines (Richards et al. 2015 PMID: 25741868, with internal and published modifications).

Labcorp Genetics (formerly Invitae), Labcorp
Classification: Likely benign for Ataxia-telangiectasia syndrome. Last evaluated: 2025-10-29. Review status: criteria provided, single submitter. Criteria: Invitae Variant Classification Sherloc (09022015). Collection method: clinical testing. Allele origin: germline.

Women's Health and Genetics/Laboratory Corporation of America, LabCorp
Classification: Likely benign. Last evaluated: 2024-11-25. Review status: criteria provided, single submitter. Criteria: LabCorp Variant Classification Summary - May 2015. Collection method: clinical testing. Allele origin: germline.

Myriad Genetics, Inc.
Classification: Benign for Familial cancer of breast. Last evaluated: 2024-05-08. Review status: criteria provided, single submitter. Criteria: Myriad Autosomal Dominant, Autosomal Recessive and X-Linked Classification Criteria (2023). Collection method: clinical testing. Allele origin: unknown.
Comment: This variant is considered benign. This variant is a silent/synonymous amino acid change and it is not expected to impact splicing.

Color Diagnostics, LLC DBA Color Health
Classification: Likely benign for Hereditary cancer-predisposing syndrome. Last evaluated: 2023-02-15. Review status: criteria provided, single submitter. Criteria: ACMG Guidelines, 2015. Collection method: clinical testing. Allele origin: germline.

GeneDx
Classification: Likely benign. Last evaluated: 2019-07-31. Review status: criteria provided, single submitter. Criteria: GeneDx Variant Classification Process June 2021. Collection method: clinical testing. Allele origin: germline. Affected: yes.

Ambry Genetics
Classification: Likely benign for Hereditary cancer-predisposing syndrome. Last evaluated: 2017-10-19. Review status: criteria provided, single submitter. Criteria: Ambry Variant Classification Scheme 2023. Collection method: clinical testing. Allele origin: germline.

NM_000051.4(ATM):c.2406T>C (p.Phe802=)

Gene: ATM (ATM serine/threonine kinase; plus strand). Cytogenetic location: 11q22.3.
Variant type: single nucleotide variant.
Coding change: c.2406T>C on transcript NM_000051.4 (MANE Select); coding-DNA position 2406, T replaced by C.
Protein change: p.Phe802=; no amino-acid change (phenylalanine 802 retained).
Molecular consequence: synonymous variant.
Genome position (GRCh38, 1-based): chr11:108,259,015, T>C. VCF-style: chr11-108259015-T-C. GRCh37 (hg19) VCF-style: chr11-108129742-T-C.
Other names: c.2406T>C, p.Phe802= (NM_001351834.2).
Identifiers: ClinVar variation 516494 (VCV000516494.19), dbSNP rs1472760933, ClinGen allele CA476672858.